The following is an entry in ClinVar:

ClinVar aggregate classification (germline): Uncertain significance (1 of 4 stars; one submission).

Conditions:
Charcot-Marie-Tooth disease type 2R. Also called: CHARCOT-MARIE-TOOTH DISEASE, AXONAL, AUTOSOMAL RECESSIVE, TYPE 2R; Charcot-Marie-Tooth disease, axonal, type 2R; CHARCOT-MARIE-TOOTH NEUROPATHY, TYPE 2R. Identifiers: Orphanet 397968, MedGen C3809655, MONDO:0014208, OMIM 615490.

Allele frequency attached by ClinVar (database versions not stated): gnomAD exomes 0.00001.
gnomAD v4.1: 5 of 1,600,512 alleles (0.00031%); highest among the groups gnomAD compares: Non-Finnish European, 0.00043%; no homozygotes.

Submission:

Labcorp Genetics (formerly Invitae), Labcorp
Classification: Uncertain significance for Charcot-Marie-Tooth disease type 2R. Last evaluated: 2023-05-15. Review status: criteria provided, single submitter. Criteria: Invitae Variant Classification Sherloc (09022015). Collection method: clinical testing. Allele origin: germline.
Comment: In summary, the available evidence is currently insufficient to determine the role of this variant in disease. Therefore, it has been classified as a Variant of Uncertain Significance. An algorithm developed to predict the effect of missense changes on protein structure and function (PolyPhen-2) suggests that this variant is likely to be disruptive. This variant has not been reported in the literature in individuals affected with TRIM2-related conditions. This variant is not present in population databases (gnomAD no frequency). This sequence change replaces proline, which is neutral and non-polar, with leucine, which is neutral and non-polar, at codon 441 of the TRIM2 protein (p.Pro441Leu).

NM_015271.5(TRIM2):c.1403C>T (p.Pro468Leu)

Gene: TRIM2 (tripartite motif containing 2; plus strand). Cytogenetic location: 4q31.3.
Variant type: single nucleotide variant.
Coding change: c.1403C>T on transcript NM_015271.5 (MANE Select); coding-DNA position 1403, C replaced by T.
Protein change: p.Pro468Leu; replaces proline 468 with leucine.
Molecular consequence: missense variant.
Genome position (GRCh38, 1-based): chr4:153,295,929, C>T. VCF-style: chr4-153295929-C-T. GRCh37 (hg19) VCF-style: chr4-154217081-C-T.
Other names: c.1322C>T, p.Pro441Leu (NM_001130067.2, NM_001351056.2, NM_001375512.1 and 5 more transcripts); c.1376C>T, p.Pro459Leu (NM_001351054.2); c.1373C>T, p.Pro458Leu (NM_001351055.2); c.947C>T, p.Pro316Leu (NM_001351057.2); c.1496C>T, p.Pro499Leu (NM_001375488.1); c.1493C>T, p.Pro498Leu (NM_001375489.1); c.1346C>T, p.Pro449Leu (NM_001375490.1); c.1343C>T, p.Pro448Leu (NM_001375491.1); and 3 more; short protein forms P356L, P448L, P441L, P449L, P459L, P316L, P357L, P458L.
Identifiers: ClinVar variation 2984380 (VCV002984380.3), dbSNP rs2546531092, ClinGen allele CA358473637.